The following is an entry in ClinVar:

NM_001844.5(COL2A1):c.2999C>G (p.Pro1000Arg)

Gene: COL2A1 (collagen type II alpha 1 chain; minus strand). Cytogenetic location: 12q13.11.
Variant type: single nucleotide variant.
Coding change: c.2999C>G on transcript NM_001844.5 (MANE Select); coding-DNA position 2999, C replaced by G.
Protein change: p.Pro1000Arg; replaces proline 1000 with arginine.
Molecular consequence: missense variant.
Genome position (GRCh38, 1-based): chr12:47,978,295, G>C on the plus strand (C>G on the coding strand, the complement: COL2A1 is on the minus strand). VCF-style: chr12-47978295-G-C. GRCh37 (hg19) VCF-style: chr12-48372078-G-C.
Other names: c.2792C>G, p.Pro931Arg (NM_033150.3); short protein forms P1000R, P931R.
Identifiers: ClinVar variation 3607340 (VCV003607340.3).
Genomic context (GRCh38, chr12:47,978,295, plus strand): 5'-GAAGCCTTGGCAGGCAGGGCCCAGCTTGGATGGAGGGAGGGATACCCCACACTCACCGAC[G>C]GGCCAGGCAAGCCAGGGAATCCTCTCTCACCACGTTGCCCAGGCAGACCGACGATGCCTC-3'
Protein context (NP_001835.3, residues 990-1010): GERGFPGLPG[Pro1000Arg]SGEPGKQGAP

ClinVar aggregate classification (germline): Uncertain significance. Review status: criteria provided, multiple submitters, no conflicts (2 of 4 stars). 2 submissions from 2 submitters: Uncertain significance (2). Last evaluated 2025-10-13.

gnomAD v4.1: 6 of 1,613,770 alleles (0.00037%); highest among the groups gnomAD compares: Non-Finnish European, 0.00051%; no homozygotes.

Submissions (2):

Labcorp Genetics (formerly Invitae), Labcorp
Classification: Uncertain significance. Last evaluated: 2025-10-13. Review status: criteria provided, single submitter. Criteria: Invitae Variant Classification Sherloc (09022015). Collection method: clinical testing. Allele origin: germline.
Comment: This sequence change replaces proline, which is neutral and non-polar, with arginine, which is basic and polar, at codon 1000 of the COL2A1 protein (p.Pro1000Arg). This variant is not present in population databases (gnomAD no frequency). This variant has not been reported in the literature in individuals affected with COL2A1-related conditions. ClinVar contains an entry for this variant (Variation ID: 3607340). Invitae Evidence Modeling of protein sequence and biophysical properties (such as structural, functional, and spatial information, amino acid conservation, physicochemical variation, residue mobility, and thermodynamic stability) has been performed for this missense variant. However, the output from this modeling did not meet the statistical confidence thresholds required to predict the impact of this variant on COL2A1 protein function. In summary, the available evidence is currently insufficient to determine the role of this variant in disease. Therefore, it has been classified as a Variant of Uncertain Significance.

Blueprint Genetics
Classification: Uncertain significance. Last evaluated: 2024-10-29. Review status: criteria provided, single submitter. Criteria: ACMG Guidelines, 2015. Collection method: clinical testing. Allele origin: germline.